The following is an entry in ClinVar:

ClinVar aggregate classification (germline): Likely pathogenic (1 of 4 stars; one submission).

Allele frequency attached by ClinVar (database versions not stated): gnomAD exomes below 0.00001 and 0.00001; gnomAD 0.00001.
gnomAD v4.1: 9 of 1,612,218 alleles (0.00056%); highest among the groups gnomAD compares: Admixed American, 0.0067%; no homozygotes.

Submission:

GeneDx
Classification: Likely pathogenic. Last evaluated: 2023-11-27. Review status: criteria provided, single submitter. Criteria: GeneDx Variant Classification Process June 2021. Collection method: clinical testing. Allele origin: germline. Affected: yes.
Comment: Not observed at significant frequency in large population cohorts (gnomAD); In silico analysis supports that this missense variant has a deleterious effect on protein structure/function; This variant is associated with the following publications: (PMID: 33210482, 31680380)

NM_024996.7(GFM1):c.1922C>A (p.Ala641Glu)

Gene: GFM1 (G elongation factor mitochondrial 1; plus strand). Cytogenetic location: 3q25.32.
Variant type: single nucleotide variant.
Coding change: c.1922C>A on transcript NM_024996.7 (MANE Select); coding-DNA position 1922, C replaced by A.
Protein change: p.Ala641Glu; replaces alanine 641 with glutamic acid.
Molecular consequence: missense variant. On other transcripts: non-coding transcript variant (4).
Genome position (GRCh38, 1-based): chr3:158,690,175, C>A. VCF-style: chr3-158690175-C-A. GRCh37 (hg19) VCF-style: chr3-158407964-C-A.
Other names: c.1979C>A, p.Ala660Glu (NM_001308164.2); c.1841C>A, p.Ala614Glu (NM_001374355.1); c.1805C>A, p.Ala602Glu (NM_001374356.1); c.1697C>A, p.Ala566Glu (NM_001374357.1); c.1463C>A, p.Ala488Glu (NM_001374358.1); c.1355C>A, p.Ala452Glu (NM_001374359.1, NM_001374360.1); c.1238C>A, p.Ala413Glu (NM_001374361.1); short protein forms A413E, A452E, A488E, A566E, A602E, A614E, A641E, A660E.
Identifiers: ClinVar variation 873010 (VCV000873010.2), dbSNP rs1390685552.